The following is an entry in ClinVar:

NM_001386140.1(MTTP):c.747_749delinsCGACGATGTGTATAAGAGAC (p.Lys249fs)

Gene: MTTP (microsomal triglyceride transfer protein; plus strand). Cytogenetic location: 4q23.
Variant type: Indel.
Coding change: c.747_749delinsCGACGATGTGTATAAGAGAC on transcript NM_001386140.1 (MANE Select); coding-DNA positions 747 to 749, AAT replaced by CGACGATGTGTATAAGAGAC.
Protein change: p.Lys249fs; shifts the reading frame from lysine 249.
Molecular consequence: frameshift variant.
Genome position (GRCh38, 1-based): chr4:99,591,779-99,591,781, AAT replaced by CGACGATGTGTATAAGAGAC. VCF-style: chr4-99591779-AAT-CGACGATGTGTATAAGAGAC. GRCh37 (hg19) VCF-style: chr4-100512936-AAT-CGACGATGTGTATAAGAGAC.
Other names: c.747_749delinsCGACGATGTGTATAAGAGAC, p.Lys249fs (NM_000253.4); c.498_500delinsCGACGATGTGTATAAGAGAC, p.Lys166fs (NM_001300785.2); short protein forms K166fs, K249fs.
Identifiers: ClinVar variation 5010539 (VCV005010539.1).

ClinVar aggregate classification (germline): Pathogenic (1 of 4 stars; one submission).

Conditions:
Abetalipoproteinaemia (ABL). Also called: MTP DEFICIENCY; Abetalipoproteinemia; Abetalipoproteinemia neuropathy; Apolipoprotein B deficiency; Congenital betalipoprotein deficiency syndrome. Identifiers: Orphanet 14, MedGen C0000744, MONDO:0008692, OMIM 200100, HP:0008181.

Submission:

Myriad Genetics, Inc.
Classification: Pathogenic for Abetalipoproteinaemia. Last evaluated: 2024-05-14. Review status: criteria provided, single submitter. Criteria: Myriad Autosomal Dominant, Autosomal Recessive and X-Linked Classification Criteria (2023). Collection method: clinical testing. Allele origin: unknown.
Comment: NM_000253.2(MTTP):c.747_749del3ins20(K249Nfs*14) is expected to be pathogenic in the context of abetalipoproteinemia. This variant is predicted to lead to an abnormal or absent protein product due to the creation of a premature termination codon in MTTP, a gene where loss-of-function variants are known to be pathogenic. Please note: this variant was assessed in the context of healthy population screening.